The following is an entry in ClinVar:

NM_005506.4(SCARB2):c.1208C>T (p.Thr403Ile)

Gene: SCARB2 (scavenger receptor class B member 2; minus strand). Cytogenetic location: 4q21.1.
Variant type: single nucleotide variant.
Coding change: c.1208C>T on transcript NM_005506.4 (MANE Select); coding-DNA position 1208, C replaced by T.
Protein change: p.Thr403Ile; replaces threonine 403 with isoleucine.
Molecular consequence: missense variant.
Genome position (GRCh38, 1-based): chr4:76,166,281, G>A on the plus strand (C>T on the coding strand, the complement: SCARB2 is on the minus strand). VCF-style: chr4-76166281-G-A. GRCh37 (hg19) VCF-style: chr4-77087434-G-A.
Other names: c.779C>T, p.Thr260Ile (NM_001204255.2); short protein forms T403I, T260I.
Identifiers: ClinVar variation 857640 (VCV000857640.10), dbSNP rs770343701, ClinGen allele CA2970156.
Genomic context (GRCh38, chr4:76,166,281, plus strand): 5'-CCCGTGGCTCCCTCCGTCTCAGGACTTACCTCATTGAGGTACATCACTGGGAAAACCATG[G>A]TTCTAATGTCTCCCGTTTCACTACAAAGACAAAGGATGAGATTGTTTCAGAAACATCCTC-3'
Protein context (NP_005497.1, residues 393-413): DDFVETGDIR[Thr403Ile]MVFPVMYLNE

ClinVar aggregate classification (germline): Uncertain significance. Review status: criteria provided, multiple submitters, no conflicts (2 of 4 stars). 2 submissions from 2 submitters: Uncertain significance (2). Last evaluated 2023-10-03.

Conditions:
Progressive myoclonic epilepsy. Also called: Familial progressive myoclonic epilepsy; Myoclonic Epilepsies, Progressive; Myoclonus epilepsy; Progressive myoclonus epilepsy. Identifiers: Orphanet 308, Orphanet 98261, MedGen C0751778, MONDO:0020074.
Inborn genetic diseases. Identifiers: MedGen C0950123, MeSH D030342.

Allele frequency attached by ClinVar (database versions not stated): gnomAD exomes below 0.00001 and 0.00002; gnomAD 0.00001; TOPMed 0.00001; ExAC 0.00002.
gnomAD v4.1: 7 of 1,613,986 alleles (0.00043%); highest among the groups gnomAD compares: African/African-American, 0.004%; no homozygotes.

Submissions (2):

Labcorp Genetics (formerly Invitae), Labcorp
Classification: Uncertain significance for Progressive myoclonic epilepsy. Last evaluated: 2023-10-03. Review status: criteria provided, single submitter. Criteria: Invitae Variant Classification Sherloc (09022015). Collection method: clinical testing. Allele origin: germline.
Comment: This sequence change replaces threonine, which is neutral and polar, with isoleucine, which is neutral and non-polar, at codon 403 of the SCARB2 protein (p.Thr403Ile). This variant is present in population databases (rs770343701, gnomAD 0.003%). This variant has not been reported in the literature in individuals affected with SCARB2-related conditions. ClinVar contains an entry for this variant (Variation ID: 857640). Advanced modeling of protein sequence and biophysical properties (such as structural, functional, and spatial information, amino acid conservation, physicochemical variation, residue mobility, and thermodynamic stability) has been performed at Invitae for this missense variant, however the output from this modeling did not meet the statistical confidence thresholds required to predict the impact of this variant on SCARB2 protein function. In summary, the available evidence is currently insufficient to determine the role of this variant in disease. Therefore, it has been classified as a Variant of Uncertain Significance.

Ambry Genetics
Classification: Uncertain significance for Inborn genetic diseases. Last evaluated: 2018-05-02. Review status: criteria provided, single submitter. Criteria: Ambry Variant Classification Scheme 2023. Collection method: clinical testing. Allele origin: germline.
Comment: The p.T403I variant (also known as c.1208C>T), located in coding exon 10 of the SCARB2 gene, results from a C to T substitution at nucleotide position 1208. The threonine at codon 403 is replaced by isoleucine, an amino acid with similar properties. This amino acid position is well conserved in available vertebrate species. In addition, the in silico prediction for this alteration is inconclusive. Since supporting evidence is limited at this time, the clinical significance of this alteration remains unclear.